The following is an entry in ClinVar:

NM_080680.3(COL11A2):c.1136G>A (p.Arg379Gln)

Gene: COL11A2 (collagen type XI alpha 2 chain; minus strand). Cytogenetic location: 6p21.32.
Variant type: single nucleotide variant.
Coding change: c.1136G>A on transcript NM_080680.3 (MANE Select); coding-DNA position 1136, G replaced by A.
Protein change: p.Arg379Gln; replaces arginine 379 with glutamine.
Molecular consequence: missense variant.
Genome position (GRCh38, 1-based): chr6:33,181,154, C>T on the plus strand (G>A on the coding strand, the complement: COL11A2 is on the minus strand). VCF-style: chr6-33181154-C-T. GRCh37 (hg19) VCF-style: chr6-33148931-C-T.
Other names: c.815G>A, p.Arg272Gln (NM_080679.3); c.878G>A, p.Arg293Gln (NM_080681.3); short protein forms R379Q, R272Q, R293Q.
Identifiers: ClinVar variation 504564 (VCV000504564.8), dbSNP rs150429851, ClinGen allele CA3751455.

ClinVar aggregate classification (germline): Uncertain significance. Review status: criteria provided, multiple submitters, no conflicts (2 of 4 stars). 3 submissions from 3 submitters: Uncertain significance (3). Last evaluated 2025-10-22.

Allele frequency attached by ClinVar (database versions not stated): ExAC 0.00002; gnomAD 0.00004; TOPMed 0.00005; ESP Exome Variant Server 0.00015.
gnomAD v4.1: 41 of 1,614,094 alleles (0.0025%); highest among the groups gnomAD compares: African/African-American, 0.004%; no homozygotes.

Submissions (3):

Labcorp Genetics (formerly Invitae), Labcorp
Classification: Uncertain significance. Last evaluated: 2025-10-22. Review status: criteria provided, single submitter. Criteria: Invitae Variant Classification Sherloc (09022015). Collection method: clinical testing. Allele origin: germline.
Comment: This sequence change replaces arginine, which is basic and polar, with glutamine, which is neutral and polar, at codon 379 of the COL11A2 protein (p.Arg379Gln). This variant is present in population databases (rs150429851, gnomAD 0.004%). This variant has not been reported in the literature in individuals affected with COL11A2-related conditions. ClinVar contains an entry for this variant (Variation ID: 504564). Invitae Evidence Modeling of protein sequence and biophysical properties (such as structural, functional, and spatial information, amino acid conservation, physicochemical variation, residue mobility, and thermodynamic stability) indicates that this missense variant is not expected to disrupt COL11A2 protein function with a negative predictive value of 95%. In summary, the available evidence is currently insufficient to determine the role of this variant in disease. Therefore, it has been classified as a Variant of Uncertain Significance.

GeneDx
Classification: Uncertain significance. Last evaluated: 2024-03-15. Review status: criteria provided, single submitter. Criteria: GeneDx Variant Classification Process June 2021. Collection method: clinical testing. Allele origin: germline. Affected: yes.
Comment: Identified in a patient who was referred for connective tissue disorder testing at a commercial laboratory; however this individual also harbored a pathogenic variant in the COL3A1 gene (PMID: 35903967); Not observed at significant frequency in large population cohorts (gnomAD); In silico analysis supports that this missense variant does not alter protein structure/function; This variant is associated with the following publications: (PMID: 35903967)

Laboratory for Molecular Medicine, Mass General Brigham Personalized Medicine
Classification: Uncertain significance. Last evaluated: 2016-06-28. Review status: criteria provided, single submitter. Criteria: LMM Criteria. Collection method: clinical testing. Allele origin: germline. Observed: 1 variant allele.
Comment: The p.Arg379Gln variant in COL11A2 has not been previously reported in individua ls with hearing loss, OSMED, or non-ocular Stickler syndrome, but has been ident ified in 3/66714 European chromosomes by the Exome Aggregation Consortium (ExAC; dbSNP rs150429851). Although this variant has b een seen in the general population, its frequency is not high enough to rule out a pathogenic role. Computational prediction tools and conservation analyses sug gest that this variant may impact the protein, though this information is not pr edictive enough to determine pathogenicity. In summary, the clinical significanc e of the p.Arg379Gln variant is uncertain.